The following is an entry in ClinVar:

ClinVar aggregate classification (germline): Pathogenic/Likely pathogenic. Review status: criteria provided, multiple submitters, no conflicts (2 of 4 stars). 2 submissions from 2 submitters: Pathogenic (1); Likely pathogenic (1). Last evaluated 2025-05-05.

Conditions:
Congenital lactic acidosis, Saguenay-Lac-Saint-Jean type (MC4DN5). Also called: CYTOCHROME c OXIDASE DEFICIENCY, FRENCH CANADIAN TYPE; COX DEFICIENCY, FRENCH CANADIAN TYPE; MITOCHONDRIAL COMPLEX IV DEFICIENCY, NUCLEAR TYPE 5. Identifiers: Orphanet 70472, MedGen C1857355, MONDO:0009069, OMIM 220111.

gnomAD v4.1: 3 of 1,600,482 alleles (0.00019%); highest among the groups gnomAD compares: South Asian, 0.0033%; no homozygotes.

Submissions (2):

Natera, Inc.
Classification: Likely pathogenic for French-Canadian type Leigh syndrome. Last evaluated: 2025-05-05. Review status: criteria provided, single submitter. Criteria: Natera Variant Classification Schema (03/2026). Collection method: clinical testing. Allele origin: germline.
Comment: The c.3900+1G>T variant in LRPPRC is a canonical splice donor site variant predicted to affect pre-mRNA splicing, which may result in an abnormal transcript and altered protein product. This variant may result in a truncated or dysfunctional protein product. This variant is rare in the general population with a frequency below the threshold expected for the associated phenotype(s). This variant has been observed in one or more individuals affected with the associated recessive disease, as either homozygous or compound heterozygous with a second variant (PMID: 26510951). Additionally, this variant has been observed to segregate in affected family members (PMID: 26510951). Functional studies show that this variant may disrupt protein function (PMID: 26510951). Given the available evidence, this variant is classified as Likely Pathogenic.

Labcorp Genetics (formerly Invitae), Labcorp
Classification: Pathogenic. Last evaluated: 2022-07-07. Review status: criteria provided, single submitter. Criteria: Invitae Variant Classification Sherloc (09022015). Collection method: clinical testing. Allele origin: germline.
Comment: This sequence change affects a donor splice site in intron 35 of the LRPPRC gene. RNA analysis indicates that disruption of this splice site induces altered splicing and likely results in a shortened protein product. This variant is present in population databases (no rsID available, gnomAD 0.003%). Disruption of this splice site has been observed in individuals with clinical features of Leigh Syndrome (PMID: 26510951). It has also been observed to segregate with disease in related individuals. Studies have shown that disruption of this splice site results in skipping of exon 35, but is expected to preserve the integrity of the reading-frame (PMID: 26510952). For these reasons, this variant has been classified as Pathogenic.

Literature cited by the submitters: PubMed 26510951 (cited by Natera, Inc. and Labcorp Genetics (formerly Invitae), Labcorp); PubMed 26510952 (cited by Labcorp Genetics (formerly Invitae), Labcorp).

NM_133259.4(LRPPRC):c.3900+1G>T

Gene: LRPPRC (leucine rich pentatricopeptide repeat containing; minus strand). Cytogenetic location: 2p21.
Variant type: single nucleotide variant.
Coding change: c.3900+1G>T on transcript NM_133259.4 (MANE Select); the canonical splice donor site of the intron after coding-DNA position 3900, G replaced by T.
Molecular consequence: splice donor variant.
Genome position (GRCh38, 1-based): chr2:43,896,633, C>A on the plus strand (G>T on the coding strand, the complement: LRPPRC is on the minus strand). VCF-style: chr2-43896633-C-A. GRCh37 (hg19) VCF-style: chr2-44123772-C-A.
Identifiers: ClinVar variation 2203057 (VCV002203057.6), dbSNP rs863225443, ClinGen allele CA346675363.
Genomic context (GRCh38, chr2:43,896,633, plus strand): 5'-CAATACTTCTGAGCAAGGCACGTACAGTATCATTGATTTGTAAGCAGGTAAAGCACAGTA[C>A]CTTTCCTTGTTTCCTAGAATTCCTAAGGAGGAACAACAACAAAATCGGGGTTTGTTCAGC-3'